The following is an entry in ClinVar:

ClinVar aggregate classification (germline): Uncertain significance. Review status: criteria provided, multiple submitters, no conflicts (2 of 4 stars). 3 submissions from 3 submitters: Uncertain significance (2). 1 of the submissions does not count toward it. Last evaluated 2021-09-01.

Conditions:
Congenital myasthenic syndrome (CMS). Also called: Congenital Myasthenic Syndromes. Identifiers: Orphanet 590, MedGen C0751882, MeSH D020294, MONDO:0018940.
Fetal akinesia deformation sequence 1 (FADS1). Also called: Pena-Shokeir syndrome type I; Fetal akinesia sequence. Identifiers: Orphanet 994, MedGen C1276035, MONDO:0100101, OMIM 208150, HP:0001989.
Congenital myasthenic syndrome 11. Also called: Myasthenic syndrome, congenital, 11, associated with acetylcholine receptor deficiency; MYASTHENIC SYNDROME, CONGENITAL, Ie. Identifiers: Orphanet 590, MedGen C4225367, MONDO:0014588, OMIM 616326.

Allele frequency attached by ClinVar (database versions not stated): gnomAD exomes 0.00002; TOPMed 0.00002; ExAC 0.00003; gnomAD 0.00003.
gnomAD v4.1: 97 of 1,609,474 alleles (0.006%); highest among the groups gnomAD compares: Non-Finnish European, 0.0075%; no homozygotes.

Submissions (3):

Labcorp Genetics (formerly Invitae), Labcorp
Classification: Uncertain significance for Congenital myasthenic syndrome 11; Fetal akinesia deformation sequence 1. Last evaluated: 2021-09-01. Review status: criteria provided, single submitter. Criteria: Invitae Variant Classification Sherloc (09022015). Collection method: clinical testing. Allele origin: germline.
Comment: This sequence change replaces alanine with valine at codon 288 of the RAPSN protein (p.Ala288Val). The alanine residue is weakly conserved and there is a small physicochemical difference between alanine and valine. This variant is present in population databases (rs760068830, ExAC 0.007%). This variant has not been reported in the literature in individuals affected with RAPSN-related conditions. Algorithms developed to predict the effect of missense changes on protein structure and function output the following: SIFT: "Tolerated"; PolyPhen-2: "Benign"; Align-GVGD: "Class C0". The valine amino acid residue is found in multiple mammalian species, which suggests that this missense change does not adversely affect protein function. Algorithms developed to predict the effect of sequence changes on RNA splicing suggest that this variant may create or strengthen a splice site. In summary, the available evidence is currently insufficient to determine the role of this variant in disease. Therefore, it has been classified as a Variant of Uncertain Significance.

Revvity Omics, Revvity
Classification: Uncertain significance. Last evaluated: 2019-03-01. Review status: criteria provided, single submitter. Criteria: ACMG Guidelines, 2015. Collection method: clinical testing. Allele origin: germline.

Natera, Inc.
Classification: Uncertain significance for Congenital myasthenic syndrome. Last evaluated: 2020-08-24. Review status: no assertion criteria provided. Collection method: clinical testing. Allele origin: germline. Not counted in ClinVar's aggregate classification.

NM_005055.5(RAPSN):c.863C>T (p.Ala288Val)

Gene: RAPSN (receptor associated protein of the synapse; minus strand). Cytogenetic location: 11p11.2.
Variant type: single nucleotide variant.
Coding change: c.863C>T on transcript NM_005055.5 (MANE Select); coding-DNA position 863, C replaced by T.
Protein change: p.Ala288Val; replaces alanine 288 with valine.
Molecular consequence: missense variant. On other transcripts: intron variant (1).
Genome position (GRCh38, 1-based): chr11:47,441,660, G>A on the plus strand (C>T on the coding strand, the complement: RAPSN is on the minus strand). VCF-style: chr11-47441660-G-A. GRCh37 (hg19) VCF-style: chr11-47463212-G-A.
Other names: c.789+163C>T (NM_032645.5); short protein forms A288V.
Identifiers: ClinVar variation 964986 (VCV000964986.6), dbSNP rs760068830, ClinGen allele CA5976602.